The following is an entry in ClinVar:

NM_002804.5(PSMC3):c.1204G>C (p.Glu402Gln)

Gene: PSMC3 (proteasome 26S subunit, ATPase 3; minus strand). Cytogenetic location: 11p11.2.
Variant type: single nucleotide variant.
Coding change: c.1204G>C on transcript NM_002804.5 (MANE Select); coding-DNA position 1204, G replaced by C.
Protein change: p.Glu402Gln; replaces glutamic acid 402 with glutamine.
Molecular consequence: missense variant.
Genome position (GRCh38, 1-based): chr11:47,419,121, C>G on the plus strand (G>C on the coding strand, the complement: PSMC3 is on the minus strand). VCF-style: chr11-47419121-C-G. GRCh37 (hg19) VCF-style: chr11-47440672-C-G.
Other names: short protein forms E402Q.
Identifiers: ClinVar variation 2575654 (VCV002575654.1), dbSNP rs2496047148, ClinGen allele CA380316940.

ClinVar aggregate classification (germline): Uncertain significance (1 of 4 stars; one submission).

Submission:

GeneDx
Classification: Uncertain significance. Last evaluated: 2023-02-09. Review status: criteria provided, single submitter. Criteria: GeneDx Variant Classification Process June 2021. Collection method: clinical testing. Allele origin: germline. Affected: yes.
Comment: Not observed at significant frequency in large population cohorts (gnomAD); In silico analysis supports that this missense variant has a deleterious effect on protein structure/function; Has not been previously published as pathogenic or benign to our knowledge; Variants in candidate genes are classified as variants of uncertain significance in accordance with ACMG guidelines (Richards et al., 2015)